The following is an entry in ClinVar:

NM_080669.6(SLC46A1):c.*2746G>A

Genes: SARM1 (sterile alpha and TIR motif containing 1; plus strand), SLC46A1 (solute carrier family 46 member 1; minus strand). Cytogenetic location: 17q11.2.
Variant type: single nucleotide variant.
Coding change: c.*2746G>A on transcript NM_080669.6 (MANE Select); 2746 bases downstream of the stop codon, G replaced by A.
Molecular consequence: 3 prime UTR variant.
Genome position (GRCh38, 1-based): chr17:28,396,910, C>T on the plus strand (G>A on the coding strand, the complement: SLC46A1 is on the minus strand). VCF-style: chr17-28396910-C-T. GRCh37 (hg19) VCF-style: chr17-26723929-C-T.
Other names: c.*2746G>A (NM_001242366.3); c.*624C>T (NM_015077.4).
Identifiers: ClinVar variation 890320 (VCV000890320.4), dbSNP rs11871687, ClinGen allele CA289111457.

ClinVar aggregate classification (germline): Benign (1 of 4 stars; one submission).

Conditions:
Congenital defect of folate absorption. Also called: Hereditary Folate Malabsorption. Identifiers: Orphanet 90045, MedGen C0342705, MONDO:0009238, OMIM 229050.

Allele frequency attached by ClinVar (database versions not stated): 1000 Genomes Project 30x 0.00453; gnomAD 0.00496 and 0.00541; 1000 Genomes Project 0.00499; TOPMed 0.00534.

Submission:

Illumina Laboratory Services, Illumina
Classification: Benign for Congenital defect of folate absorption. Last evaluated: 2018-01-12. Review status: criteria provided, single submitter. Criteria: ICSL Variant Classification Criteria 13 December 2019. Collection method: clinical testing. Allele origin: germline.
Comment: This variant was observed in the ICSL laboratory as part of a predisposition screen in an ostensibly healthy population. It had not been previously curated by ICSL or reported in the Human Gene Mutation Database (HGMD: prior to June 1st, 2018), and was therefore a candidate for classification through an automated scoring system. Utilizing variant allele frequency, disease prevalence and penetrance estimates, and inheritance mode, an automated score was calculated to assess if this variant is too frequent to cause the disease. Based on the score and internal cut-off values, a variant classified as benign is not then subjected to further curation. The score for this variant resulted in a classification of benign for this disease.